The following is an entry in ClinVar:

ClinVar aggregate classification (germline): Pathogenic/Likely pathogenic. Review status: criteria provided, multiple submitters, no conflicts (2 of 4 stars). 2 submissions from 2 submitters: Pathogenic (1); Likely pathogenic (1). Last evaluated 2021-08-27.

Conditions:
Neurodegeneration with brain iron accumulation 5 (NBIA5). Also called: STATIC ENCEPHALOPATHY OF CHILDHOOD WITH NEURODEGENERATION IN ADULTHOOD; Beta-propeller protein-associated neurodegeneration. Identifiers: Orphanet 329284, MedGen C3550973, MONDO:0010476, OMIM 300894.

Submissions (2):

Labcorp Genetics (formerly Invitae), Labcorp
Classification: Pathogenic for Neurodegeneration with brain iron accumulation 5. Last evaluated: 2021-08-27. Review status: criteria provided, single submitter. Criteria: Invitae Variant Classification Sherloc (09022015). Collection method: clinical testing. Allele origin: germline.

Kids Neuroscience Centre, Sydney Children's Hospitals Network
Classification: Likely pathogenic for Neurodegeneration with brain iron accumulation 5. Review status: criteria provided, single submitter. Criteria: Bournazos AM et al. (Genet Med 2021). Collection method: clinical testing. Allele origin: de novo. Inheritance: X-linked inheritance. Affected: yes. Observed: 1 heterozygote.
Comment: Detected two abnormal splicing events: (1) Increased intron 10 retention (r.830_831ins[830+1_831 -1]). This event causes a frameshift encoding an immediate premature termination codon (p.(Leu278*)). These transcripts are predicted to be targeted by nonsense mediated decay. Any mis-spliced transcripts that escape NMD encode WDR45 protein lacking 84 amino acids from the C-terminus, including WD40 repeat 7, (2) Use of a cryptic 5’splice site (r.779_830del). This event causes a frameshift encoding 9 missense amino acids and a premature termination codon (p.(Thr261Trpfs*10)). These transcripts are predicted to be targeted by NMD. Any mis-spliced transcripts that escape NMD encode WDR45 protein lacking 101 amino acids from the Cterminus, including WD40 repeat 7 and part of WD40 repeat 6.

NM_001029896.2(WDR45):c.827+5G>C

Gene: WDR45 (WD repeat domain 45; minus strand). Cytogenetic location: Xp11.23.
Variant type: single nucleotide variant.
Coding change: c.827+5G>C on transcript NM_001029896.2 (MANE Select); 5 bases into the intron after coding-DNA position 827, G replaced by C.
Molecular consequence: intron variant.
Genome position (GRCh38, 1-based): chrX:49,075,359, C>G on the plus strand (G>C on the coding strand, the complement: WDR45 is on the minus strand). VCF-style: chrX-49075359-C-G. GRCh37 (hg19) VCF-style: chrX-48933018-C-G.
Other names: c.830+5G>C (NM_007075.4).
Identifiers: ClinVar variation 941147 (VCV000941147.9), dbSNP rs1557083956, ClinGen allele CA1139667517.
Genomic context (GRCh38, chrX:49,075,359, plus strand): 5'-TAAGCCCAGGTATGGTAAATGGGCAGGGGGACAGGGACACGGTAGGGTGGGGAGGGGGTA[C>G]TCACGCGGAGCGGCGGTTGAGGCGGGTATCCTTGAGAGCAAAGATATGGACAGTACCCTT-3'